The following is an entry in ClinVar:

ClinVar aggregate classification (germline): Uncertain significance. Review status: criteria provided, multiple submitters, no conflicts (2 of 4 stars). 2 submissions from 2 submitters: Uncertain significance (2). Last evaluated 2024-11-25.

Conditions:
Inborn genetic diseases. Identifiers: MedGen C0950123, MeSH D030342.
Sulfite oxidase deficiency due to molybdenum cofactor deficiency type A. Also called: Molybdenum cofactor deficiency, complementation group A; Molybdenum Cofactor Deficiency A. Identifiers: Orphanet 308386, Orphanet 833, MedGen C1854988, MONDO:0009643, OMIM 252150.

Allele frequency attached by ClinVar (database versions not stated): ExAC 0.00001.
gnomAD v4.1: 11 of 1,612,356 alleles (0.00068%); highest among the groups gnomAD compares: Non-Finnish European, 0.00093%; no homozygotes.

Submissions (2):

Ambry Genetics
Classification: Uncertain significance for Inborn genetic diseases. Last evaluated: 2024-11-25. Review status: criteria provided, single submitter. Criteria: Ambry Variant Classification Scheme 2023. Collection method: clinical testing. Allele origin: germline.

Labcorp Genetics (formerly Invitae), Labcorp
Classification: Uncertain significance for Sulfite oxidase deficiency due to molybdenum cofactor deficiency type A. Last evaluated: 2021-08-28. Review status: criteria provided, single submitter. Criteria: Invitae Variant Classification Sherloc (09022015). Collection method: clinical testing. Allele origin: germline.
Comment: This sequence change replaces alanine with serine at codon 55 of the MOCS1 protein (p.Ala55Ser). The alanine residue is moderately conserved and there is a moderate physicochemical difference between alanine and serine. This variant is present in population databases (rs762546266, ExAC 0.002%). This variant has not been reported in the literature in individuals affected with MOCS1-related conditions. Algorithms developed to predict the effect of missense changes on protein structure and function (SIFT, PolyPhen-2, Align-GVGD) all suggest that this variant is likely to be tolerated. In summary, the available evidence is currently insufficient to determine the role of this variant in disease. Therefore, it has been classified as a Variant of Uncertain Significance.

NM_001358530.2(MOCS1):c.163G>T (p.Ala55Ser)

Gene: MOCS1 (molybdenum cofactor synthesis 1; minus strand). Cytogenetic location: 6p21.2.
Variant type: single nucleotide variant.
Coding change: c.163G>T on transcript NM_001358530.2 (MANE Select); coding-DNA position 163, G replaced by T.
Protein change: p.Ala55Ser; replaces alanine 55 with serine.
Molecular consequence: missense variant. On other transcripts: 5 prime UTR variant (1), intron variant (2).
Genome position (GRCh38, 1-based): chr6:39,927,416, C>A on the plus strand (G>T on the coding strand, the complement: MOCS1 is on the minus strand). VCF-style: chr6-39927416-C-A. GRCh37 (hg19) VCF-style: chr6-39895155-C-A.
Other names: c.163G>T, p.Ala55Ser (NM_001075098.4, NM_001358529.2, NM_005943.6); c.-99G>T (NM_001358534.2); c.-11-1571G>T (NM_001358531.2, NM_001358533.2); c.163G>T (NM_005943.5); short protein forms A55S.
Identifiers: ClinVar variation 1421766 (VCV001421766.6), dbSNP rs762546266, ClinGen allele CA3796421.
Genomic context (GRCh38, chr6:39,927,416, plus strand): 5'-AGATCCGCAGGTAGCTGTGCTGCCGGCCGAAGCTGTCTGTGAGGAAGGCGGAGAAGGGGG[C>A]CGCATGCTCCCGCAGGAACTGCCTCCGCCTGGACACCTCCTGCGAGGACAGACCAGGGAG-3'
Protein context (NP_001345459.1, residues 45-65): RRRQFLREHA[Ala55Ser]PFSAFLTDSF